The following is an entry in ClinVar:

NM_000836.4(GRIN2D):c.2392C>G (p.Arg798Gly)

Gene: GRIN2D (glutamate ionotropic receptor NMDA type subunit 2D; plus strand). Cytogenetic location: 19q13.33.
Variant type: single nucleotide variant.
Coding change: c.2392C>G on transcript NM_000836.4 (MANE Select); coding-DNA position 2392, C replaced by G.
Protein change: p.Arg798Gly; replaces arginine 798 with glycine.
Molecular consequence: missense variant.
Genome position (GRCh38, 1-based): chr19:48,441,908, C>G. VCF-style: chr19-48441908-C-G. GRCh37 (hg19) VCF-style: chr19-48945165-C-G.
Other names: short protein forms R798G.
Identifiers: ClinVar variation 2581656 (VCV002581656.1), dbSNP rs756272697, ClinGen allele CA9550722.

ClinVar aggregate classification (germline): Uncertain significance (1 of 4 stars; one submission).

Allele frequency attached by ClinVar (database versions not stated): ExAC 0.00001; gnomAD exomes 0.00001.
gnomAD v4.1: 10 of 1,612,250 alleles (0.00062%); highest among the groups gnomAD compares: Non-Finnish European, 0.00085%; no homozygotes.

Submission:

Women's Health and Genetics/Laboratory Corporation of America, LabCorp
Classification: Uncertain significance. Last evaluated: 2023-08-11. Review status: criteria provided, single submitter. Criteria: LabCorp Variant Classification Summary - May 2015. Collection method: clinical testing. Allele origin: germline.
Comment: Variant summary: GRIN2D c.2392C>G (p.Arg798Gly) results in a non-conservative amino acid change located in the Ionotropic glutamate receptor, C-terminal domain (IPR001320) of the encoded protein sequence. Three of five in-silico tools predict a damaging effect of the variant on protein function. The variant allele was found at a frequency of 8e-06 in 249154 control chromosomes. The available data on variant occurrences in the general population are insufficient to allow any conclusion about variant significance. To our knowledge, no occurrence of c.2392C>G in individuals affected with Epileptic Encephalopathy, Early Infantile, 46 and no experimental evidence demonstrating its impact on protein function have been reported. No submitters have cited clinical-significance assessments for this variant to ClinVar after 2014. Based on the evidence outlined above, the variant was classified as uncertain significance.